The following is an entry in ClinVar:

NM_001267550.2(TTN):c.48783T>C (p.Asp16261=)

Genes: TTN (titin; minus strand), TTN-AS1 (TTN antisense RNA 1; plus strand), LOC126806426 (BRD4-independent group 4 enhancer GRCh37_chr2:179478848-179480047; plus strand). Cytogenetic location: 2q31.2.
Variant type: single nucleotide variant.
Coding change: c.48783T>C on transcript NM_001267550.2 (MANE Select); coding-DNA position 48783, T replaced by C.
Protein change: p.Asp16261=; no amino-acid change (aspartic acid 16261 retained).
Molecular consequence: synonymous variant. On other transcripts: non-coding transcript variant (1).
Genome position (GRCh38, 1-based): chr2:178,614,731, A>G on the plus strand (T>C on the coding strand, the complement: TTN is on the minus strand). VCF-style: chr2-178614731-A-G. GRCh37 (hg19) VCF-style: chr2-179479458-A-G.
Other names: c.43860T>C, p.Asp14620= (NM_001256850.1); c.21588T>C, p.Asp7196= (NM_003319.4); c.41079T>C, p.Asp13693= (NM_133378.4); c.21963T>C, p.Asp7321= (NM_133432.3); c.22164T>C, p.Asp7388= (NM_133437.4).
Identifiers: ClinVar variation 510945 (VCV000510945.29), dbSNP rs574915586, ClinGen allele CA1994742.

ClinVar aggregate classification (germline): Likely benign. Review status: criteria provided, multiple submitters, no conflicts (2 of 4 stars). 5 submissions from 5 submitters: Likely benign (5). Last evaluated 2025-08-12.

Conditions:
Dilated cardiomyopathy 1G (CMD1G). Identifiers: Orphanet 154, MedGen C1858763, MONDO:0011400, OMIM 604145.
Autosomal recessive limb-girdle muscular dystrophy type 2J (LGMDR10). Also called: MUSCULAR DYSTROPHY, LIMB-GIRDLE, AUTOSOMAL RECESSIVE 10; Limb-girdle muscular dystrophy, type 2J. Identifiers: Orphanet 140922, MedGen C1837342, MONDO:0012127, OMIM 608807.
Cardiovascular phenotype. Identifiers: MedGen CN230736.

Allele frequency attached by ClinVar (database versions not stated): TOPMed 0.00001; ExAC 0.00001; gnomAD exomes 0.00001.
gnomAD v4.1: 15 of 1,608,560 alleles (0.00093%); highest among the groups gnomAD compares: Non-Finnish European, 0.0013%; no homozygotes.

Submissions (5):

Labcorp Genetics (formerly Invitae), Labcorp
Classification: Likely benign for Dilated cardiomyopathy 1G; Autosomal recessive limb-girdle muscular dystrophy type 2J. Last evaluated: 2025-08-12. Review status: criteria provided, single submitter. Criteria: Invitae Variant Classification Sherloc (09022015). Collection method: clinical testing. Allele origin: germline.

CeGaT Center for Human Genetics Tuebingen
Classification: Likely benign. Last evaluated: 2024-09-01. Review status: criteria provided, single submitter. Criteria: CeGaT Center For Human Genetics Tuebingen Variant Classification Criteria Version 2. Collection method: clinical testing. Allele origin: germline. Affected: yes. Observed: 1 variant allele.
Comment: TTN: BP4, BP7

Ambry Genetics
Classification: Likely benign for Cardiovascular phenotype. Last evaluated: 2023-04-27. Review status: criteria provided, single submitter. Criteria: Ambry Variant Classification Scheme 2023. Collection method: clinical testing. Allele origin: germline.

GeneDx
Classification: Likely benign. Last evaluated: 2019-10-15. Review status: criteria provided, single submitter. Criteria: GeneDx Variant Classification Process June 2021. Collection method: clinical testing. Allele origin: germline. Affected: yes.

Athena Diagnostics
Classification: Likely benign. Last evaluated: 2019-02-05. Review status: criteria provided, single submitter. Criteria: Athena Diagnostics Criteria. Collection method: clinical testing. Allele origin: germline.